The following is an entry in ClinVar:

NM_014862.4(ARNT2):c.2035G>A (p.Gly679Ser)

Gene: ARNT2 (aryl hydrocarbon receptor nuclear translocator 2; plus strand). Cytogenetic location: 15q25.1.
Variant type: single nucleotide variant.
Coding change: c.2035G>A on transcript NM_014862.4 (MANE Select); coding-DNA position 2035, G replaced by A.
Protein change: p.Gly679Ser; replaces glycine 679 with serine.
Molecular consequence: missense variant.
Genome position (GRCh38, 1-based): chr15:80,591,684, G>A. VCF-style: chr15-80591684-G-A. GRCh37 (hg19) VCF-style: chr15-80884025-G-A.
Other names: c.2035G>A (NM_014862.3); short protein forms G679S.
Identifiers: ClinVar variation 1165402 (VCV001165402.15), dbSNP rs4072568, ClinGen allele CA7692245.

ClinVar aggregate classification (germline): Benign. Review status: criteria provided, multiple submitters, no conflicts (2 of 4 stars). 4 submissions from 4 submitters: Benign (3). 1 of the submissions does not count toward it. Last evaluated 2026-02-01.

Conditions:
Webb-Dattani syndrome (WEDAS). Also called: HYPOTHALAMO-PITUITARY-FRONTOTEMPORAL HYPOPLASIA WITH VISUAL AND RENAL ANOMALIES. Identifiers: MedGen C4014708, MONDO:0014404, OMIM 615926.
ARNT2-related disorder. Also called: ARNT2-related condition.

Allele frequency attached by ClinVar (database versions not stated): 1000 Genomes Project 0.11202; TOPMed 0.15563; ExAC 0.15631; gnomAD 0.15654 and 0.15882; 1000 Genomes Project 30x 0.11259; ESP Exome Variant Server 0.17577.
gnomAD v4.1: 290,533 of 1,613,874 alleles (18%); highest among the groups gnomAD compares: Non-Finnish European, 20%; 28,030 homozygotes.

Submissions (4):

Labcorp Genetics (formerly Invitae), Labcorp
Classification: Benign. Last evaluated: 2026-02-01. Review status: criteria provided, single submitter. Criteria: Invitae Variant Classification Sherloc (09022015). Collection method: clinical testing. Allele origin: germline.

Genome-Nilou Lab
Classification: Benign for Webb-Dattani syndrome. Last evaluated: 2021-07-14. Review status: criteria provided, single submitter. Criteria: ACMG Guidelines, 2015. Collection method: clinical testing. Allele origin: germline. Affected: no.

Breakthrough Genomics
Classification: Benign. Review status: criteria provided, single submitter. Criteria: ACMG Guidelines, 2015. Collection method: not provided. Allele origin: germline. Inheritance: Autosomal recessive inheritance. Affected: yes.

PreventionGenetics, part of Exact Sciences
Classification: Benign for ARNT2-related condition. Last evaluated: 2019-11-01. Review status: no assertion criteria provided. Collection method: clinical testing. Allele origin: germline. Not counted in ClinVar's aggregate classification.
Comment: This variant is classified as benign based on ACMG/AMP sequence variant interpretation guidelines (Richards et al. 2015 PMID: 25741868, with internal and published modifications).